The following is an entry in ClinVar:

NM_001184880.2(PCDH19):c.1800T>G (p.Asn600Lys)

Gene: PCDH19 (protocadherin 19; minus strand). Cytogenetic location: Xq22.1.
Variant type: single nucleotide variant.
Coding change: c.1800T>G on transcript NM_001184880.2 (MANE Select); coding-DNA position 1800, T replaced by G.
Protein change: p.Asn600Lys; replaces asparagine 600 with lysine.
Molecular consequence: missense variant.
Genome position (GRCh38, 1-based): chrX:100,406,798, A>C on the plus strand (T>G on the coding strand, the complement: PCDH19 is on the minus strand). VCF-style: chrX-100406798-A-C. GRCh37 (hg19) VCF-style: chrX-99661796-A-C.
Other names: c.1800T>G, p.Asn600Lys (NM_001105243.2, NM_020766.3); short protein forms N600K.
Identifiers: ClinVar variation 4802167 (VCV004802167.1).
Genomic context (GRCh38, chrX:100,406,798, plus strand): 5'-GACCTGGTCTATTTCAAAGAAGCCGCGGTCGCCCTCGGTCATGTCGTAGGTGACTCGGCC[A>C]TTTTCGCCCTCATCGTAGTCTTCTGCCTTGACAACAGTCACCAGGTAGCCTATGCCAGAG-3'
Protein context (NP_001171809.1, residues 590-610): VKAEDYDEGE[Asn600Lys]GRVTYDMTEG

ClinVar aggregate classification (germline): Uncertain significance (1 of 4 stars; one submission).

Conditions:
Developmental and epileptic encephalopathy, 9 (DEE9). Also called: Early infantile epileptic encephalopathy 9; EPILEPSY, FEMALE-RESTRICTED, WITH MENTAL RETARDATION; JUBERG-HELLMAN SYNDROME; PCDH19-Related X-Linked Female-Limited Epilepsy with Mental Retardation. Identifiers: Orphanet 101039, Orphanet 2076, MedGen C1848137, MONDO:0010246, OMIM 300088. Disease mechanism: loss of function.

Submission:

Labcorp Genetics (formerly Invitae), Labcorp
Classification: Uncertain significance for Developmental and epileptic encephalopathy, 9. Last evaluated: 2026-02-03. Review status: criteria provided, single submitter. Criteria: Invitae Variant Classification Sherloc (09022015). Collection method: clinical testing. Allele origin: germline.
Comment: This sequence change replaces asparagine, which is neutral and polar, with lysine, which is basic and polar, at codon 600 of the PCDH19 protein (p.Asn600Lys). This variant is not present in population databases (gnomAD no frequency). This variant has not been reported in the literature in individuals affected with PCDH19-related conditions. Invitae Evidence Modeling of protein sequence and biophysical properties (such as structural, functional, and spatial information, amino acid conservation, physicochemical variation, residue mobility, and thermodynamic stability) indicates that this missense variant is expected to disrupt PCDH19 protein function with a positive predictive value of 80%. In summary, the available evidence is currently insufficient to determine the role of this variant in disease. Therefore, it has been classified as a Variant of Uncertain Significance.